The following is an entry in ClinVar:

NM_001170629.2(CHD8):c.7112dup (p.Asn2371fs)

Gene: CHD8 (chromodomain helicase DNA binding protein 8; minus strand). Cytogenetic location: 14q11.2.
Variant type: Duplication.
Coding change: c.7112dup on transcript NM_001170629.2 (MANE Select); coding-DNA position 7112, one base duplicated (A; older notation c.7112dupA).
Protein change: p.Asn2371fs; shifts the reading frame from asparagine 2371.
Molecular consequence: frameshift variant.
Genome position (GRCh38, 1-based): chr14:21,391,017, T duplicated on the plus strand (A on the coding strand, the reverse complement: CHD8 is on the minus strand); the first of 8 consecutive T bases (chr14:21,391,017-21,391,024); duplicating any one gives the same sequence. VCF-style (leftmost placement, unchanged base first): chr14-21391016-A-AT. GRCh37 (hg19) VCF-style: chr14-21859175-A-AT.
Other names: c.6276dupA (NM_020920.3); c.6275dup, p.Asn2092fs (NM_020920.4); c.7112dupA (NM_001170629.1); short protein forms N2092fs, N2371fs.
Identifiers: ClinVar variation 1064774 (VCV001064774.8), dbSNP rs751094013, ClinGen allele CA612383547.

ClinVar aggregate classification (germline): Conflicting classifications of pathogenicity. Review status: criteria provided, conflicting classifications (1 of 4 stars). 5 submissions from 5 submitters: Pathogenic (2); Likely pathogenic (1); Uncertain significance (1). 1 of the submissions does not count toward it. Last evaluated 2026-03-05.

Conditions:
CHD8-related disorder. Also called: CHD8-related disorders; CHD8-related condition.
Intellectual developmental disorder with autism and macrocephaly. Also called: Autism, susceptibility to, 18; CHD8-Related Neurodevelopmental Disorder with Overgrowth. Identifiers: Orphanet 642675, MedGen C3554373, MONDO:0014017, OMIM 615032.
Neurodevelopmental disorder. Identifiers: MedGen C1535926, MeSH D065886, MONDO:0700092.

Submissions (5):

Mendelics
Classification: Uncertain significance for Intellectual developmental disorder with autism and macrocephaly. Last evaluated: 2026-03-05. Review status: criteria provided, single submitter. Criteria: ACMG Guidelines, 2015. Collection method: clinical testing. Allele origin: unknown.
Comment: The available evidence is insufficient to conclusively determine the role of this variant. Therefore, it is classified as a Variant of Uncertain Significance.

GeneDx
Classification: Pathogenic. Last evaluated: 2025-05-20. Review status: criteria provided, single submitter. Criteria: GeneDx Variant Classification Process June 2021. Collection method: clinical testing. Allele origin: germline. Affected: yes.
Comment: Frameshift variant predicted to result in protein truncation or nonsense mediated decay in a gene for which loss of function is a known mechanism of disease; This variant is associated with the following publications: (PMID: 35982160, 37595579, 31332282, 26788990, 25363768, 31785789, 34088660, 35982159, 28191890, 31981491, 23160955)

Women's Health and Genetics/Laboratory Corporation of America, LabCorp
Classification: Pathogenic for CHD8-Related Disorders. Last evaluated: 2023-08-11. Review status: criteria provided, single submitter. Criteria: LabCorp Variant Classification Summary - May 2015. Collection method: clinical testing. Allele origin: germline.
Comment: Variant summary: CHD8 c.7112dupA (p.Asn2371LysfsX2) results in a premature termination codon, predicted to cause a truncation of the encoded protein or absence of the protein due to nonsense mediated decay, which are commonly known mechanisms for disease. The variant was absent in 227908 control chromosomes. c.7112dupA has been reported in the literature in de novo cases of individuals affected with Intellectual Development Disorders with Autism (e.g. O'Roak_2012, Coll-Tane_2021). These data indicate that the variant may be associated with disease. To our knowledge, no experimental evidence demonstrating an impact on protein function has been reported. The following publications have been ascertained in the context of this evaluation (PMID: 34088660, 23160955). One ClinVar submitter has assessed the variant since 2014, and classified the variant as likely pathogenic. Based on the evidence outlined above, the variant was classified as pathogenic.

Laboratory of Molecular Genetics (Pr. Bezieau's lab), CHU de Nantes
Classification: Likely pathogenic for Neurodevelopmental disorder. Last evaluated: 2019-06-01. Review status: criteria provided, single submitter. Criteria: ACMG Guidelines, 2015. Collection method: clinical testing. Allele origin: germline. Affected: yes.

OMIM
Classification: Pathogenic for INTELLECTUAL DEVELOPMENTAL DISORDER WITH AUTISM AND MACROCEPHALY. Last evaluated: 2012-12-21. Review status: no assertion criteria provided. Collection method: literature only. Allele origin: germline. Not counted in ClinVar's aggregate classification.

Literature cited by the submitters: PubMed 23160955 (cited by Women's Health and Genetics/Laboratory Corporation of America, LabCorp and OMIM); PubMed 34088660 (cited by Women's Health and Genetics/Laboratory Corporation of America, LabCorp).